The following is an entry in ClinVar:

ClinVar aggregate classification (germline): Uncertain significance. Review status: criteria provided, multiple submitters, no conflicts (2 of 4 stars). 2 submissions from 2 submitters: Uncertain significance (2). Last evaluated 2025-11-23.

Conditions:
Age related macular degeneration 4. Identifiers: MedGen C1853147, MONDO:0012540, OMIM 610698.

Allele frequency attached by ClinVar (database versions not stated): ExAC 0.00001; gnomAD 0.00001; TOPMed 0.00001.
gnomAD v4.1: 12 of 1,613,296 alleles (0.00074%); highest among the groups gnomAD compares: East Asian, 0.011%; no homozygotes.

Submissions (2):

Labcorp Genetics (formerly Invitae), Labcorp
Classification: Uncertain significance. Last evaluated: 2025-11-23. Review status: criteria provided, single submitter. Criteria: Invitae Variant Classification Sherloc (09022015). Collection method: clinical testing. Allele origin: germline.
Comment: This sequence change replaces alanine, which is neutral and non-polar, with valine, which is neutral and non-polar, at codon 425 of the CFH protein (p.Ala425Val). This variant is present in population databases (rs748387954, gnomAD 0.01%). This variant has not been reported in the literature in individuals affected with CFH-related conditions. ClinVar contains an entry for this variant (Variation ID: 2760359). An algorithm developed to predict the effect of missense changes on protein structure and function (PolyPhen-2) suggests that this variant is likely to be tolerated. In summary, the available evidence is currently insufficient to determine the role of this variant in disease. Therefore, it has been classified as a Variant of Uncertain Significance.

Genomenon, Inc
Classification: Uncertain significance for Age related macular degeneration 4. Last evaluated: 2025-10-02. Review status: criteria provided, single submitter. Criteria: Genomenon Sequence Variant Interpretation Standards - Updated. Collection method: curation. Allele origin: germline. Affected: yes.
Comment: CFH p.Ala425Val (c.1274C>T) is a missense variant that changes the amino acid at residue 425 from Alanine to Valine. This variant has been observed in at least one proband affected with age-related macular degeneration (PMID:34508573). It is absent or not present at a significant frequency in gnomAD. In silico models agree that this variant is not damaging. In conclusion, we classify CFH p.Ala425Val (c.1274C>T) as a variant of uncertain significance.

Literature cited by the submitters: PubMed 34508573 (cited by Genomenon, Inc).

NM_000186.4(CFH):c.1274C>T (p.Ala425Val)

Gene: CFH (complement factor H; plus strand). Cytogenetic location: 1q31.3.
Variant type: single nucleotide variant.
Coding change: c.1274C>T on transcript NM_000186.4 (MANE Select); coding-DNA position 1274, C replaced by T.
Protein change: p.Ala425Val; replaces alanine 425 with valine.
Molecular consequence: missense variant.
Genome position (GRCh38, 1-based): chr1:196,690,177, C>T. VCF-style: chr1-196690177-C-T. GRCh37 (hg19) VCF-style: chr1-196659307-C-T.
Other names: c.1274C>T, p.Ala425Val (NM_001014975.3); short protein forms A425V.
Identifiers: ClinVar variation 2760359 (VCV002760359.4), dbSNP rs748387954, ClinGen allele CA1305294.
Genomic context (GRCh38, chr1:196,690,177, plus strand): 5'-AGTTTGTACAGGGTAAATCTATAGACGTTGCCTGCCATCCTGGCTACGCTCTTCCAAAAG[C>T]GCAGACCACAGTTACATGTATGGAGAATGGCTGGTCTCCTACTCCCAGATGCATCCGTGT-3'
Protein context (NP_000177.2, residues 415-435): ACHPGYALPK[Ala425Val]QTTVTCMENG